The following is an entry in ClinVar:

ClinVar aggregate classification (germline): Uncertain significance (1 of 4 stars; one submission).

Submission:

Women's Health and Genetics/Laboratory Corporation of America, LabCorp
Classification: Uncertain significance. Last evaluated: 2024-07-24. Review status: criteria provided, single submitter. Criteria: LabCorp Variant Classification Summary - May 2015. Collection method: clinical testing. Allele origin: germline.
Comment: Variant summary: CPS1 c.1072G>C (p.Asp358His) results in a non-conservative amino acid change located in the Glutamine amidotransferase (IPR017926) of the encoded protein sequence. Five of five in-silico tools predict a damaging effect of the variant on protein function. The variant allele was found at a frequency of 8e-06 in 249340 control chromosomes. The available data on variant occurrences in the general population are insufficient to allow any conclusion about variant significance. c.1072G>C has been reported in the literature in at-least one individual affected with Carbamoylphosphate Synthetase I Deficiency (example: Hberle_2022). These report(s) do not provide unequivocal conclusions about association of the variant with Carbamoylphosphate Synthetase I Deficiency. To our knowledge, no experimental evidence demonstrating an impact on protein function has been reported. The following publication has been ascertained in the context of this evaluation (PMID: 21120950).No submitters have cited clinical-significance assessments for this variant to ClinVar. Based on the evidence outlined above, the variant was classified as uncertain significance.

Literature cited by the submitters: PubMed 21120950.

NM_001875.5(CPS1):c.1072G>C (p.Asp358His)

Gene: CPS1 (carbamoyl-phosphate synthase 1; plus strand). Cytogenetic location: 2q34.
Variant type: single nucleotide variant.
Coding change: c.1072G>C on transcript NM_001875.5 (MANE Select); coding-DNA position 1072, G replaced by C.
Protein change: p.Asp358His; replaces aspartic acid 358 with histidine.
Molecular consequence: missense variant. On other transcripts: non-coding transcript variant (1).
Genome position (GRCh38, 1-based): chr2:210,591,955, G>C. VCF-style: chr2-210591955-G-C. GRCh37 (hg19) VCF-style: chr2-211456679-G-C.
Other names: c.1072G>C, p.Asp358His (NM_001122633.3, NM_001369257.1); c.1105G>C, p.Asp369His (NM_001369256.1); short protein forms D358H, D369H.
Identifiers: ClinVar variation 3339351 (VCV003339351.1).